The following is an entry in ClinVar:

NM_001267550.2(TTN):c.7399A>G (p.Lys2467Glu)

Genes: TTN (titin; minus strand), LOC126806433 (BRD4-independent group 4 enhancer GRCh37_chr2:179638309-179639508; plus strand). Cytogenetic location: 2q31.2.
Variant type: single nucleotide variant.
Coding change: c.7399A>G on transcript NM_001267550.2 (MANE Select); coding-DNA position 7399, A replaced by G.
Protein change: p.Lys2467Glu; replaces lysine 2467 with glutamic acid.
Molecular consequence: missense variant.
Genome position (GRCh38, 1-based): chr2:178,773,657, T>C on the plus strand (A>G on the coding strand, the complement: TTN is on the minus strand). VCF-style: chr2-178773657-T-C. GRCh37 (hg19) VCF-style: chr2-179638384-T-C.
Other names: c.7399A>G, p.Lys2467Glu (NM_001256850.1, NM_133378.4, NM_133379.5); c.7261A>G, p.Lys2421Glu (NM_133432.3, NM_133437.4, NM_003319.4); short protein forms K2421E, K2467E.
Identifiers: ClinVar variation 519185 (VCV000519185.7), dbSNP rs1362423521, ClinGen allele CA349680376.
Genomic context (GRCh38, chr2:178,773,657, plus strand): 5'-GCTTGATTTGTTCATCATTTAAGTACCACTTAACAGAAGTCACATCAGGGACTGACACCT[T>C]ACATTCAAGCACAGCCTTGGTGCCTTCAATCACATTAACATCTTTTAGAGGTGTTATCAC-3'
Protein context (NP_001254479.2, residues 2457-2477): IEGTKAVLEC[Lys2467Glu]VSVPDVTSVK

ClinVar aggregate classification (germline): Uncertain significance. Review status: criteria provided, multiple submitters, no conflicts (2 of 4 stars). 3 submissions from 3 submitters: Uncertain significance (3). Last evaluated 2022-01-21.

Conditions:
Cardiovascular phenotype. Identifiers: MedGen CN230736.
Autosomal recessive limb-girdle muscular dystrophy type 2J (LGMDR10). Also called: MUSCULAR DYSTROPHY, LIMB-GIRDLE, AUTOSOMAL RECESSIVE 10; Limb-girdle muscular dystrophy, type 2J. Identifiers: Orphanet 140922, MedGen C1837342, MONDO:0012127, OMIM 608807.
Hypertrophic cardiomyopathy 9. Also called: Familial hypertrophic cardiomyopathy 9. Identifiers: MedGen C1861065, MONDO:0013412, OMIM 613765.
Tibial muscular dystrophy (TMD). Also called: Udd Distal Myopathy – Tibial Muscular Dystrophy; Tibial muscular dystrophy, tardive; UDD MYOPATHY. Identifiers: Orphanet 609, MedGen C1838244, MONDO:0010870, OMIM 600334.
Dilated cardiomyopathy 1G (CMD1G). Identifiers: Orphanet 154, MedGen C1858763, MONDO:0011400, OMIM 604145.
Early-onset myopathy with fatal cardiomyopathy (CMYO5). Also called: Salih Myopathy; CONGENITAL MYOPATHY 5 WITH CARDIOMYOPATHY. Identifiers: Orphanet 289377, MedGen C2673677, MONDO:0012714, OMIM 611705. Disease mechanism: loss of function.
Myopathy, myofibrillar, 9, with early respiratory failure (MFM9). Also called: MYOPATHY, PROXIMAL, WITH EARLY RESPIRATORY MUSCLE INVOLVEMENT; Myopathy, distal, with early respiratory failure, autosomal dominant; Hereditary myopathy with early respiratory failure; EDSTROM MYOPATHY. Identifiers: Orphanet 178464, Orphanet 34521, MedGen C1863599, MONDO:0011362, OMIM 603689.

Allele frequency attached by ClinVar (database versions not stated): gnomAD 0.00001; gnomAD exomes 0.00001; TOPMed 0.00003.
gnomAD v4.1: 10 of 1,613,936 alleles (0.00062%); highest among the groups gnomAD compares: Non-Finnish European, 0.00085%; no homozygotes.

Submissions (3):

Department of Pathology and Laboratory Medicine, Sinai Health System
Classification: Uncertain significance for Tibial muscular dystrophy; Myopathy, myofibrillar, 9, with early respiratory failure; Dilated cardiomyopathy 1G; Autosomal recessive limb-girdle muscular dystrophy type 2J; Early-onset myopathy with fatal cardiomyopathy; Hypertrophic cardiomyopathy 9. Last evaluated: 2022-01-21. Review status: criteria provided, single submitter. Criteria: ACMG Guidelines, 2015. Collection method: research. Allele origin: germline.

Fulgent Genetics
Classification: Uncertain significance for Tibial muscular dystrophy; Myopathy, myofibrillar, 9, with early respiratory failure; Dilated cardiomyopathy 1G; Autosomal recessive limb-girdle muscular dystrophy type 2J; Early-onset myopathy with fatal cardiomyopathy; Hypertrophic cardiomyopathy 9. Last evaluated: 2021-10-26. Review status: criteria provided, single submitter. Criteria: ACMG Guidelines, 2015. Collection method: clinical testing. Allele origin: unknown.

Ambry Genetics
Classification: Uncertain significance for Cardiovascular phenotype. Last evaluated: 2017-11-03. Review status: criteria provided, single submitter. Criteria: Ambry Variant Classification Scheme 2023. Collection method: clinical testing. Allele origin: germline.
Comment: The p.K2421E variant (also known as c.7261A>G), located in coding exon 30 of the TTN gene, results from an A to G substitution at nucleotide position 7261. The lysine at codon 2421 is replaced by glutamic acid, an amino acid with similar properties. This amino acid position is highly conserved in available vertebrate species. In addition, the in silico prediction for this alteration is inconclusive. Since supporting evidence is limited at this time, the clinical significance of this alteration remains unclear.